The following is an entry in ClinVar:

ClinVar aggregate classification (germline): Uncertain significance. Review status: criteria provided, multiple submitters, no conflicts (2 of 4 stars). 2 submissions from 2 submitters: Uncertain significance (2). Last evaluated 2024-06-17.

Allele frequency attached by ClinVar (database versions not stated): gnomAD 0.00004; TOPMed 0.00005.
gnomAD v4.1: 12 of 1,506,374 alleles (0.0008%); highest among the groups gnomAD compares: African/African-American, 0.0086%; no homozygotes.

Submissions (2):

Ambry Genetics
Classification: Uncertain significance. Last evaluated: 2024-06-17. Review status: criteria provided, single submitter. Criteria: Ambry Variant Classification Scheme 2023. Collection method: clinical testing. Allele origin: germline.

Labcorp Genetics (formerly Invitae), Labcorp
Classification: Uncertain significance. Last evaluated: 2022-03-28. Review status: criteria provided, single submitter. Criteria: Invitae Variant Classification Sherloc (09022015). Collection method: clinical testing. Allele origin: germline.
Comment: Algorithms developed to predict the effect of missense changes on protein structure and function output the following: SIFT: "Deleterious"; PolyPhen-2: "Benign"; Align-GVGD: "Class C0". The glutamine amino acid residue is found in multiple mammalian species, which suggests that this missense change does not adversely affect protein function. This sequence change replaces arginine, which is basic and polar, with glutamine, which is neutral and polar, at codon 150 of the MESP1 protein (p.Arg150Gln). The frequency data for this variant in the population databases is considered unreliable, as metrics indicate poor data quality at this position in the gnomAD database. This variant has not been reported in the literature in individuals affected with MESP1-related conditions. In summary, the available evidence is currently insufficient to determine the role of this variant in disease. Therefore, it has been classified as a Variant of Uncertain Significance.

NM_018670.4(MESP1):c.449G>A (p.Arg150Gln)

Genes: MESP1 (mesoderm posterior bHLH transcription factor 1; minus strand), LOC130057888 (ATAC-STARR-seq lymphoblastoid silent region 6803; plus strand). Cytogenetic location: 15q26.1.
Variant type: single nucleotide variant.
Coding change: c.449G>A on transcript NM_018670.4 (MANE Select); coding-DNA position 449, G replaced by A.
Protein change: p.Arg150Gln; replaces arginine 150 with glutamine.
Molecular consequence: missense variant.
Genome position (GRCh38, 1-based): chr15:89,750,783, C>T on the plus strand (G>A on the coding strand, the complement: MESP1 is on the minus strand). VCF-style: chr15-89750783-C-T. GRCh37 (hg19) VCF-style: chr15-90294014-C-T.
Other names: c.449G>A (NM_018670.3); short protein forms R150Q.
Identifiers: ClinVar variation 1926231 (VCV001926231.6), dbSNP rs745528285, ClinGen allele CA7730198.